The following is an entry in ClinVar:

ClinVar aggregate classification (germline): Uncertain significance (1 of 4 stars; one submission).

Submission:

Labcorp Genetics (formerly Invitae), Labcorp
Classification: Uncertain significance. Last evaluated: 2021-08-25. Review status: criteria provided, single submitter. Criteria: Invitae Variant Classification Sherloc (09022015). Collection method: clinical testing. Allele origin: germline.
Comment: This sequence change replaces proline with serine at codon 155 of the COL9A3 protein (p.Pro155Ser). The proline residue is highly conserved and there is a moderate physicochemical difference between proline and serine. This variant is not present in population databases (ExAC no frequency). This variant has not been reported in the literature in individuals affected with COL9A3-related conditions. Advanced modeling of protein sequence and biophysical properties (such as structural, functional, and spatial information, amino acid conservation, physicochemical variation, residue mobility, and thermodynamic stability) performed at Invitae indicates that this missense variant is not expected to disrupt COL9A3 protein function. In summary, the available evidence is currently insufficient to determine the role of this variant in disease. Therefore, it has been classified as a Variant of Uncertain Significance.

NM_001853.4(COL9A3):c.463C>T (p.Pro155Ser)

Gene: COL9A3 (collagen type IX alpha 3 chain; plus strand). Cytogenetic location: 20q13.33.
Variant type: single nucleotide variant.
Coding change: c.463C>T on transcript NM_001853.4 (MANE Select); coding-DNA position 463, C replaced by T.
Protein change: p.Pro155Ser; replaces proline 155 with serine.
Molecular consequence: missense variant.
Genome position (GRCh38, 1-based): chr20:62,822,150, C>T. VCF-style: chr20-62822150-C-T. GRCh37 (hg19) VCF-style: chr20-61453502-C-T.
Other names: short protein forms P155S.
Identifiers: ClinVar variation 1372471 (VCV001372471.6), dbSNP rs2147201350, ClinGen allele CA409589387.
Genomic context (GRCh38, chr20:62,822,150, plus strand): 5'-TAAGTCATACCCCCTCCCCAGGGACCTTCTGGACTCCCCGGCCTCCCTGGTCCCCCAGGA[C>T]CTCCCGGACCCCCTGTAAGTACTGGGCAGAGGCTCTAAGAAGTGCTGGGCATGGACTAGG-3'
Protein context (NP_001844.3, residues 145-165): GLPGLPGPPG[Pro155Ser]PGPPGHPGVL